The following is an entry in ClinVar:

NM_004727.3(SLC24A1):c.2048G>A (p.Arg683Lys)

Gene: SLC24A1 (solute carrier family 24 member 1; plus strand). Cytogenetic location: 15q22.31.
Variant type: single nucleotide variant.
Coding change: c.2048G>A on transcript NM_004727.3 (MANE Select); coding-DNA position 2048, G replaced by A.
Protein change: p.Arg683Lys; replaces arginine 683 with lysine.
Molecular consequence: missense variant.
Genome position (GRCh38, 1-based): chr15:65,639,698, G>A. VCF-style: chr15-65639698-G-A. GRCh37 (hg19) VCF-style: chr15-65932036-G-A.
Other names: c.2048G>A, p.Arg683Lys (NM_001301031.1); c.1994G>A, p.Arg665Lys (NM_001301032.1, NM_001301033.2); short protein forms R665K, R683K.
Identifiers: ClinVar variation 2060801 (VCV002060801.4), dbSNP rs1266507233, ClinGen allele CA392920152.
Genomic context (GRCh38, chr15:65,639,698, plus strand): 5'-ACAACAGCACCATCCGCAGCACCATCTACCAGCTCATGCTCCACAGCCTGGACCCCCTGA[G>A]GGAAGGTAAGCAAGGCCTCTCCAGACCTTTGTGGTTTGCCCCATCCACTCCTTCCCTCCT-3'
Protein context (NP_004718.1, residues 673-693): QLMLHSLDPL[Arg683Lys]EVRLAKEKEE

ClinVar aggregate classification (germline): Uncertain significance (1 of 4 stars; one submission).

Submission:

Labcorp Genetics (formerly Invitae), Labcorp
Classification: Uncertain significance. Last evaluated: 2021-12-25. Review status: criteria provided, single submitter. Criteria: Invitae Variant Classification Sherloc (09022015). Collection method: clinical testing. Allele origin: germline.
Comment: This sequence change replaces arginine, which is basic and polar, with lysine, which is basic and polar, at codon 683 of the SLC24A1 protein (p.Arg683Lys). This variant is present in population databases (no rsID available, gnomAD 0.005%). This variant has not been reported in the literature in individuals affected with SLC24A1-related conditions. Algorithms developed to predict the effect of missense changes on protein structure and function (SIFT, PolyPhen-2, Align-GVGD) all suggest that this variant is likely to be tolerated. Algorithms developed to predict the effect of sequence changes on RNA splicing suggest that this variant may create or strengthen a splice site. In summary, the available evidence is currently insufficient to determine the role of this variant in disease. Therefore, it has been classified as a Variant of Uncertain Significance.